The following is an entry in ClinVar:

NM_181703.4(GJA5):c.269T>C (p.Leu90Pro)

Gene: GJA5 (gap junction protein alpha 5; minus strand). Cytogenetic location: 1q21.2.
Variant type: single nucleotide variant.
Coding change: c.269T>C on transcript NM_181703.4 (MANE Select); coding-DNA position 269, T replaced by C.
Protein change: p.Leu90Pro; replaces leucine 90 with proline.
Molecular consequence: missense variant.
Genome position (GRCh38, 1-based): chr1:147,758,970, A>G on the plus strand (T>C on the coding strand, the complement: GJA5 is on the minus strand). VCF-style: chr1-147758970-A-G. GRCh37 (hg19) VCF-style: chr1-147231078-A-G.
Other names: c.269T>C, p.Leu90Pro (NM_005266.7); short protein forms L90P.
Identifiers: ClinVar variation 2165178 (VCV002165178.4), dbSNP rs2524611734, ClinGen allele CA342397350.
Genomic context (GRCh38, chr1:147,758,970, plus strand): 5'-TCCCGTAGCTTGCGCTTCTCCTGCATGCGCACAGTGTGCATGGCGTGGCCCATGTACACC[A>G]GAGAGGGCGTGGAGACGAAGATGATCTGCAGCACCCAGTAGCGAATGTGGGAGATGGGGA-3'
Protein context (NP_859054.1, residues 80-100): LQIIFVSTPS[Leu90Pro]VYMGHAMHTV

ClinVar aggregate classification (germline): Uncertain significance (1 of 4 stars; one submission).

Conditions:
Atrial standstill 1 (ATRST1). Also called: ATRIAL CARDIOMYOPATHY WITH HEART BLOCK; CARDIOMYOPATHY, FAMILIAL, WITH CONDUCTION DISTURBANCE; Atrial standstill, digenic (GJA5/SCN5A). Identifiers: Orphanet 1344, MedGen C4551959, MONDO:0007171, OMIM 108770.
Atrial fibrillation, familial, 11 (ATFB11). Identifiers: MedGen C3279693, MONDO:0013544, OMIM 614049.

Allele frequency attached by ClinVar (database versions not stated): gnomAD exomes below 0.00001.
gnomAD v4.1: 1 of 1,614,194 alleles (0.000062%); highest among the groups gnomAD compares: Non-Finnish European, 0.000085%; no homozygotes.

Submission:

Labcorp Genetics (formerly Invitae), Labcorp
Classification: Uncertain significance for Atrial fibrillation, familial, 11; Atrial standstill 1. Last evaluated: 2024-12-25. Review status: criteria provided, single submitter. Criteria: Invitae Variant Classification Sherloc (09022015). Collection method: clinical testing. Allele origin: germline.
Comment: This sequence change replaces leucine, which is neutral and non-polar, with proline, which is neutral and non-polar, at codon 90 of the GJA5 protein (p.Leu90Pro). This variant is not present in population databases (gnomAD no frequency). This variant has not been reported in the literature in individuals affected with GJA5-related conditions. ClinVar contains an entry for this variant (Variation ID: 2165178). Invitae Evidence Modeling of protein sequence and biophysical properties (such as structural, functional, and spatial information, amino acid conservation, physicochemical variation, residue mobility, and thermodynamic stability) indicates that this missense variant is expected to disrupt GJA5 protein function with a positive predictive value of 80%. In summary, the available evidence is currently insufficient to determine the role of this variant in disease. Therefore, it has been classified as a Variant of Uncertain Significance.